The following is an entry in ClinVar:

ClinVar aggregate classification (germline): Benign/Likely benign. Review status: criteria provided, multiple submitters, no conflicts (2 of 4 stars). 7 submissions from 7 submitters: Benign (1); Likely benign (5). 1 of the submissions does not count toward it. Last evaluated 2026-01-12.

Conditions:
RBM20-related disorder. Also called: RBM20-related condition.
Cardiovascular phenotype. Identifiers: MedGen CN230736.
Cardiomyopathy (CMYO). Also called: Cardiomyopathies. Identifiers: Orphanet 167848, MedGen C0878544, MONDO:0004994, HP:0001638. Inheritance: Various modes of inheritance.
Dilated cardiomyopathy 1DD (CMD1DD). Identifiers: Orphanet 154, MedGen C2750995, MONDO:0013168, OMIM 613172.

Allele frequency attached by ClinVar (database versions not stated): gnomAD exomes 0.00007 and 0.00009; ExAC 0.00010; 1000 Genomes Project 0.00040; gnomAD 0.00058 and 0.00063; 1000 Genomes Project 30x 0.00062; ESP Exome Variant Server 0.00066; TOPMed 0.00078.
gnomAD v4.1: 186 of 1,550,428 alleles (0.012%); highest among the groups gnomAD compares: African/African-American, 0.18%; no homozygotes.

Submissions (7):

Labcorp Genetics (formerly Invitae), Labcorp
Classification: Likely benign for Dilated cardiomyopathy 1DD. Last evaluated: 2026-01-12. Review status: criteria provided, single submitter. Criteria: Invitae Variant Classification Sherloc (09022015). Collection method: clinical testing. Allele origin: germline.

ARUP Laboratories, Molecular Genetics and Genomics, ARUP Laboratories
Classification: Likely benign for Dilated cardiomyopathy 1DD. Last evaluated: 2025-05-15. Review status: criteria provided, single submitter. Criteria: ARUP Molecular Germline Variant Investigation Process 2024. Collection method: clinical testing. Allele origin: germline.

Women's Health and Genetics/Laboratory Corporation of America, LabCorp
Classification: Likely benign. Last evaluated: 2024-11-19. Review status: criteria provided, single submitter. Criteria: LabCorp Variant Classification Summary - May 2015. Collection method: clinical testing. Allele origin: germline.

GeneDx
Classification: Likely benign. Last evaluated: 2022-08-18. Review status: criteria provided, single submitter. Criteria: GeneDx Variant Classification Process June 2021. Collection method: clinical testing. Allele origin: germline. Affected: yes.
Comment: See Variant Classification Assertion Criteria.

Ambry Genetics
Classification: Likely benign for Cardiovascular phenotype. Last evaluated: 2021-07-08. Review status: criteria provided, single submitter. Criteria: Ambry Variant Classification Scheme 2023. Collection method: clinical testing. Allele origin: germline.

CHEO Genetics Diagnostic Laboratory, Children's Hospital of Eastern Ontario
Classification: Benign for Cardiomyopathy. Last evaluated: 2017-11-03. Review status: criteria provided, single submitter. Criteria: ACMG Guidelines, 2015. Collection method: clinical testing. Allele origin: germline.

PreventionGenetics, part of Exact Sciences
Classification: Likely benign for RBM20-related condition. Last evaluated: 2023-04-19. Review status: no assertion criteria provided. Collection method: clinical testing. Allele origin: germline. Not counted in ClinVar's aggregate classification.
Comment: This variant is classified as likely benign based on ACMG/AMP sequence variant interpretation guidelines (Richards et al. 2015 PMID: 25741868, with internal and published modifications).

Literature cited by the submitters: PubMed 25351510 (cited by Ambry Genetics).

NM_001134363.3(RBM20):c.1451C>T (p.Thr484Ile)

Gene: RBM20 (RNA binding motif protein 20; plus strand). Cytogenetic location: 10q25.2.
Variant type: single nucleotide variant.
Coding change: c.1451C>T on transcript NM_001134363.3 (MANE Select); coding-DNA position 1451, C replaced by T.
Protein change: p.Thr484Ile; replaces threonine 484 with isoleucine.
Molecular consequence: missense variant.
Genome position (GRCh38, 1-based): chr10:110,784,813, C>T. VCF-style: chr10-110784813-C-T. GRCh37 (hg19) VCF-style: chr10-112544571-C-T.
Other names: p.T484I:ACA>ATA; c.1451C>T (LRG_382t1); short protein forms T484I.
Identifiers: ClinVar variation 202043 (VCV000202043.25), dbSNP rs116442272, ClinGen allele CA335510.